The following is an entry in ClinVar:

ClinVar aggregate classification (germline): Benign/Likely benign. Review status: criteria provided, multiple submitters, no conflicts (2 of 4 stars). 3 submissions from 3 submitters: Benign (1); Likely benign (2). Last evaluated 2025-04-17.

Conditions:
Familial cancer of breast. Also called: BREAST CANCER, FAMILIAL; hereditary breast carcinoma; Hereditary breast cancer. Identifiers: Orphanet 227535, MedGen C0346153, MONDO:0016419, OMIM 114480. Disease mechanism: loss of function.
Hereditary cancer-predisposing syndrome. Also called: Neoplastic Syndromes, Hereditary; Tumor predisposition; Hereditary Cancer Syndrome; Hereditary neoplastic syndrome. Identifiers: Orphanet 140162, MedGen C0027672, MeSH D009386, MONDO:0015356.

Submissions (3):

Labcorp Genetics (formerly Invitae), Labcorp
Classification: Likely benign for Familial cancer of breast. Last evaluated: 2025-04-17. Review status: criteria provided, single submitter. Criteria: Invitae Variant Classification Sherloc (09022015). Collection method: clinical testing. Allele origin: germline.

Myriad Genetics, Inc.
Classification: Benign for Familial cancer of breast. Last evaluated: 2025-01-10. Review status: criteria provided, single submitter. Criteria: Myriad Autosomal Dominant, Autosomal Recessive and X-Linked Classification Criteria (2023). Collection method: clinical testing. Allele origin: unknown.
Comment: This variant is considered benign. This variant is a silent/synonymous amino acid change and it is not expected to impact splicing.

Ambry Genetics
Classification: Likely benign for Hereditary cancer-predisposing syndrome. Last evaluated: 2015-07-09. Review status: criteria provided, single submitter. Criteria: Ambry Variant Classification Scheme 2023. Collection method: clinical testing. Allele origin: germline.

NM_024675.4(PALB2):c.663A>G (p.Val221=)

Gene: PALB2 (partner and localizer of BRCA2; minus strand). Cytogenetic location: 16p12.2.
Variant type: single nucleotide variant.
Coding change: c.663A>G on transcript NM_024675.4 (MANE Select); coding-DNA position 663, A replaced by G.
Protein change: p.Val221=; no amino-acid change (valine 221 retained).
Molecular consequence: synonymous variant.
Genome position (GRCh38, 1-based): chr16:23,635,883, T>C on the plus strand (A>G on the coding strand, the complement: PALB2 is on the minus strand). VCF-style: chr16-23635883-T-C. GRCh37 (hg19) VCF-style: chr16-23647204-T-C.
Identifiers: ClinVar variation 232361 (VCV000232361.8), dbSNP rs876659721, ClinGen allele CA10580034.